The following is an entry in ClinVar:

NM_005918.4(MDH2):c.298G>C (p.Ala100Pro)

Gene: MDH2 (malate dehydrogenase 2; plus strand). Cytogenetic location: 7q11.23.
Variant type: single nucleotide variant.
Coding change: c.298G>C on transcript NM_005918.4 (MANE Select); coding-DNA position 298, G replaced by C.
Protein change: p.Ala100Pro; replaces alanine 100 with proline.
Molecular consequence: missense variant. On other transcripts: 5 prime UTR variant (1).
Genome position (GRCh38, 1-based): chr7:76,057,472, G>C. VCF-style: chr7-76057472-G-C. GRCh37 (hg19) VCF-style: chr7-75686790-G-C.
Other names: c.298G>C, p.Ala100Pro (NM_001282403.2); c.-24G>C (NM_001282404.2); short protein forms A100P.
Identifiers: ClinVar variation 3225187 (VCV003225187.1), dbSNP rs2535857964, ClinGen allele CA367763606.

ClinVar aggregate classification (germline): Uncertain significance (1 of 4 stars; one submission).

Conditions:
Inborn genetic diseases. Identifiers: MedGen C0950123, MeSH D030342.

Allele frequency attached by ClinVar (database versions not stated): gnomAD exomes below 0.00001.
gnomAD v4.1: 1 of 1,614,144 alleles (0.000062%); highest among the groups gnomAD compares: Non-Finnish European, 0.000085%; no homozygotes.

Submission:

Ambry Genetics
Classification: Uncertain significance for Inborn genetic diseases. Last evaluated: 2024-03-14. Review status: criteria provided, single submitter. Criteria: Ambry Variant Classification Scheme 2023. Collection method: clinical testing. Allele origin: germline.
Comment: The p.A100P variant (also known as c.298G>C), located in coding exon 3 of the MDH2 gene, results from a G to C substitution at nucleotide position 298. The alanine at codon 100 is replaced by proline, an amino acid with highly similar properties. This amino acid position is conserved. In addition, this alteration is predicted to be deleterious by in silico analysis. Based on the available evidence, the clinical significance of this alteration remains unclear.